The following is an entry in ClinVar:

NM_000264.5(PTCH1):c.822del (p.Val275fs)

Gene: PTCH1 (patched 1; minus strand). Cytogenetic location: 9q22.32.
Variant type: Deletion.
Coding change: c.822del on transcript NM_000264.5 (MANE Select); coding-DNA position 822, one base deleted (A; older notation c.822delA).
Protein change: p.Val275fs; shifts the reading frame from valine 275.
Molecular consequence: frameshift variant. On other transcripts: non-coding transcript variant (1).
Genome position (GRCh38, 1-based): chr9:95,480,513, T deleted on the plus strand (A on the coding strand, the reverse complement: PTCH1 is on the minus strand); the first of 2 consecutive T bases (chr9:95,480,513-95,480,514); deleting either gives the same sequence. VCF-style (leftmost placement, unchanged base first): chr9-95480512-CT-C. GRCh37 (hg19) VCF-style: chr9-98242794-CT-C.
Other names: c.624del, p.Val209fs (NM_001083602.3); c.819del, p.Val274fs (NM_001083603.3); c.369del, p.Val124fs (NM_001083604.3, NM_001083605.3, NM_001083606.3 and 1 more transcripts); c.822del, p.Val275fs (NM_001354918.2); short protein forms V124fs, V275fs, V209fs, V274fs.
Identifiers: ClinVar variation 545818 (VCV000545818.9), dbSNP rs1554699964, ClinGen allele CA658822554.

ClinVar aggregate classification (germline): Pathogenic. Review status: criteria provided, multiple submitters, no conflicts (2 of 4 stars). 2 submissions from 2 submitters: Pathogenic (2). Last evaluated 2023-06-23.

Conditions:
Gorlin syndrome. Also called: Nevoid Basal Cell Carcinoma Syndrome; Basal cell nevus syndrome. Identifiers: Orphanet 377, MedGen C0004779, MONDO:0007187.

Submissions (2):

Labcorp Genetics (formerly Invitae), Labcorp
Classification: Pathogenic for Gorlin syndrome. Last evaluated: 2023-06-23. Review status: criteria provided, single submitter. Criteria: Invitae Variant Classification Sherloc (09022015). Collection method: clinical testing. Allele origin: germline.
Comment: For these reasons, this variant has been classified as Pathogenic. ClinVar contains an entry for this variant (Variation ID: 545818). This variant has not been reported in the literature in individuals affected with PTCH1-related conditions. This variant is not present in population databases (gnomAD no frequency). This sequence change creates a premature translational stop signal (p.Val275Trpfs*8) in the PTCH1 gene. It is expected to result in an absent or disrupted protein product. Loss-of-function variants in PTCH1 are known to be pathogenic (PMID: 16301862, 16419085).

GeneDx
Classification: Pathogenic. Last evaluated: 2017-08-25. Review status: criteria provided, single submitter. Criteria: GeneDx Variant Classification (06012015). Collection method: clinical testing. Allele origin: germline. Affected: yes.
Comment: This deletion of one nucleotide in PTCH1 is denoted c.822delA at the cDNA level and p.Val275TrpfsX8 (V275WfsX8) at the protein level. The normal sequence, with the base that is deleted in brackets, is ATCA[delA]GTGG. The deletion causes a frameshift which changes a Valine to a Tryptophan at codon 275, and creates a premature stop codon at position 8 of the new reading frame. Although this variant has not, to our knowledge, been reported in the literature, it is predicted to cause loss of normal protein function through either protein truncation or nonsense-mediated mRNA decay. We consider this variant to be pathogenic.

Literature cited by the submitters: PubMed 16301862 (cited by Labcorp Genetics (formerly Invitae), Labcorp); PubMed 16419085 (cited by Labcorp Genetics (formerly Invitae), Labcorp).